The following is an entry in ClinVar:

ClinVar aggregate classification (germline): Uncertain significance (1 of 4 stars; one submission).

gnomAD v4.1: 1 of 1,614,068 alleles (0.000062%); highest among the groups gnomAD compares: Admixed American, 0.0017%; no homozygotes.

Submission:

Ambry Genetics
Classification: Uncertain significance. Last evaluated: 2024-06-03. Review status: criteria provided, single submitter. Criteria: Ambry Variant Classification Scheme 2023. Collection method: clinical testing. Allele origin: germline.
Comment: The p.E405K variant (also known as c.1213G>A) is located in coding exon 7 of the GALNT12 gene. The glutamic acid at codon 405 is replaced by lysine, an amino acid with similar properties. This change occurs in the first base pair of coding exon 7. This amino acid position is conserved. In addition, this alteration is predicted to be deleterious by in silico analysis. Based on the available evidence, the clinical significance of this variant remains unclear.

NM_024642.5(GALNT12):c.1213G>A (p.Glu405Lys)

Gene: GALNT12 (polypeptide N-acetylgalactosaminyltransferase 12; plus strand). Cytogenetic location: 9q22.33.
Variant type: single nucleotide variant.
Coding change: c.1213G>A on transcript NM_024642.5 (MANE Select); coding-DNA position 1213, G replaced by A.
Protein change: p.Glu405Lys; replaces glutamic acid 405 with lysine.
Molecular consequence: missense variant.
Genome position (GRCh38, 1-based): chr9:98,840,002, G>A. VCF-style: chr9-98840002-G-A. GRCh37 (hg19) VCF-style: chr9-101602284-G-A.
Other names: short protein forms E405K.
Identifiers: ClinVar variation 3280588 (VCV003280588.1).